The following is an entry in ClinVar:

NM_001367479.1(DNAH14):c.13090A>G (p.Arg4364Gly)

Gene: DNAH14 (dynein axonemal heavy chain 14; plus strand). Cytogenetic location: 1q42.12.
Variant type: single nucleotide variant.
Coding change: c.13090A>G on transcript NM_001367479.1 (MANE Select); coding-DNA position 13090, A replaced by G.
Protein change: p.Arg4364Gly; replaces arginine 4364 with glycine.
Molecular consequence: missense variant.
Genome position (GRCh38, 1-based): chr1:225,388,391, A>G. VCF-style: chr1-225388391-A-G. GRCh37 (hg19) VCF-style: chr1-225576093-A-G.
Other names: NM_001373.1:c.12784A>G; short protein forms R4364G.
Identifiers: ClinVar variation 3343358 (VCV003343358.1).

ClinVar aggregate classification (germline): Uncertain significance (1 of 4 stars; one submission).

gnomAD v4.1: 1 of 1,519,904 alleles (0.000066%); highest among the groups gnomAD compares: Non-Finnish European, 0.000089%; no homozygotes.

Submission:

GeneDx
Classification: Uncertain significance. Last evaluated: 2023-05-08. Review status: criteria provided, single submitter. Criteria: GeneDx Variant Classification Process June 2021. Collection method: clinical testing. Allele origin: germline. Affected: yes.
Comment: Not observed at significant frequency in large population cohorts (gnomAD); In silico analysis supports that this missense variant does not alter protein structure/function; Has not been previously published as pathogenic or benign to our knowledge